The following is an entry in ClinVar:

ClinVar aggregate classification (germline): Uncertain significance (1 of 4 stars; one submission).

Conditions:
Spinocerebellar ataxia type 19/22 (SCA19). Also called: SPINOCEREBELLAR ATAXIA 19; SPINOCEREBELLAR ATAXIA 22. Identifiers: Orphanet 98772, MedGen C1846367, MONDO:0011819, OMIM 607346.

Allele frequency attached by ClinVar (database versions not stated): gnomAD exomes below 0.00001; TOPMed below 0.00001.
gnomAD v4.1: 2 of 1,562,292 alleles (0.00013%); highest among the groups gnomAD compares: Non-Finnish European, 0.00017%; no homozygotes.

Submission:

Labcorp Genetics (formerly Invitae), Labcorp
Classification: Uncertain significance for Spinocerebellar ataxia type 19/22. Last evaluated: 2023-09-21. Review status: criteria provided, single submitter. Criteria: Invitae Variant Classification Sherloc (09022015). Collection method: clinical testing. Allele origin: germline.
Comment: This variant is not present in population databases (gnomAD no frequency). In summary, the available evidence is currently insufficient to determine the role of this variant in disease. Therefore, it has been classified as a Variant of Uncertain Significance. An algorithm developed to predict the effect of missense changes on protein structure and function (PolyPhen-2) suggests that this variant is likely to be disruptive. This variant has not been reported in the literature in individuals affected with KCND3-related conditions. This sequence change replaces glycine, which is neutral and non-polar, with serine, which is neutral and polar, at codon 458 of the KCND3 protein (p.Gly458Ser).

NM_001378969.1(KCND3):c.1372G>A (p.Gly458Ser)

Gene: KCND3 (potassium voltage-gated channel subfamily D member 3; minus strand). Cytogenetic location: 1p13.2.
Variant type: single nucleotide variant.
Coding change: c.1372G>A on transcript NM_001378969.1 (MANE Select); coding-DNA position 1372, G replaced by A.
Protein change: p.Gly458Ser; replaces glycine 458 with serine.
Molecular consequence: missense variant.
Genome position (GRCh38, 1-based): chr1:111,780,314, C>T on the plus strand (G>A on the coding strand, the complement: KCND3 is on the minus strand). VCF-style: chr1-111780314-C-T. GRCh37 (hg19) VCF-style: chr1-112322936-C-T.
Other names: c.1372G>A, p.Gly458Ser (NM_004980.5, NM_172198.3, NM_001378970.1); short protein forms G458S.
Identifiers: ClinVar variation 2886877 (VCV002886877.3), dbSNP rs1390894547, ClinGen allele CA341658843.